The following is an entry in ClinVar:

NM_024685.4(BBS10):c.273C>G (p.Cys91Trp)

Gene: BBS10 (Bardet-Biedl syndrome 10; minus strand). Cytogenetic location: 12q21.2.
Variant type: single nucleotide variant.
Coding change: c.273C>G on transcript NM_024685.4 (MANE Select); coding-DNA position 273, C replaced by G.
Protein change: p.Cys91Trp; replaces cysteine 91 with tryptophan.
Molecular consequence: missense variant.
Genome position (GRCh38, 1-based): chr12:76,347,712, G>C on the plus strand (C>G on the coding strand, the complement: BBS10 is on the minus strand). VCF-style: chr12-76347712-G-C. GRCh37 (hg19) VCF-style: chr12-76741492-G-C.
Other names: c.273C>G, p.Cys91Trp (LRG_1255t1); short protein forms C91W.
Identifiers: ClinVar variation 30818 (VCV000030818.66), dbSNP rs148374859, ClinGen allele CA259914.

ClinVar aggregate classification (germline): Pathogenic. Review status: criteria provided, multiple submitters, no conflicts (2 of 4 stars). 15 submissions from 15 submitters: Pathogenic (12). 3 of the submissions do not count toward it. Last evaluated 2026-03-01.

Conditions:
BBS10-related disorder. Also called: BBS10-related condition.
Retinal dystrophy. Also called: Inherited retinal dystrophy. Identifiers: Orphanet 71862, MedGen C0854723, MeSH D058499, MONDO:0019118, HP:0000556.
Bardet-Biedl syndrome (BBS). Identifiers: Orphanet 110, MedGen C0752166, MONDO:0015229.
Bardet-Biedl syndrome 1 (BBS1). Identifiers: MedGen C2936862, MONDO:0008854, OMIM 209900. Disease mechanism: loss of function.
Bardet-Biedl syndrome 10 (BBS10). Identifiers: Orphanet 110, MedGen C1859568, MONDO:0014438, OMIM 615987.

Allele frequency attached by ClinVar (database versions not stated): ExAC 0.00003; gnomAD exomes 0.00003; gnomAD 0.00004; TOPMed 0.00004.
gnomAD v4.1: 33 of 1,610,448 alleles (0.002%); highest among the groups gnomAD compares: Admixed American, 0.0033%; no homozygotes.

Submissions (15):

PreventionGenetics, part of Exact Sciences
Classification: Pathogenic for BBS10-related condition. Last evaluated: 2026-03-01. Review status: criteria provided, single submitter. Criteria: ACMG Guidelines, 2015. Collection method: clinical testing. Allele origin: germline.
Comment: The BBS10 c.273C>G variant is predicted to result in the amino acid substitution p.Cys91Trp. This variant has been reported in the homozygous and compound heterozygous states in multiple individuals with BBS10-related disorders, and both familial segregation and functional studies support its pathogenicity (Cortinhal et al. 2024. PubMed ID: 38189974; Martín-Sánchez et al. 2020. PubMed ID: 33302505; Riedhammer et al. 2020. PubMed ID: 32359821; Zacchia et al. 2021. PubMed ID: 33964006; Gerth et al. 2007. PubMed ID: 17980398; Zaghloul et al. 2010. PubMed ID: 20498079). This variant is reported in 0.0053% of alleles in individuals of European (Non-Finnish) descent in gnomAD. This variant is interpreted as pathogenic.

First Genomix Gene Laboratory, Genetic Diagnostics Department
Classification: Pathogenic for Bardet-Biedl syndrome 10. Last evaluated: 2025-09-24. Review status: criteria provided, single submitter. Criteria: ACMG Guidelines, 2015. Collection method: clinical testing. Allele origin: germline. Inheritance: Autosomal recessive inheritance. Affected: no. Observed: 1 variant allele.

Natera, Inc.
Classification: Pathogenic for Bardet-Biedl syndrome type 10. Last evaluated: 2025-07-25. Review status: criteria provided, single submitter. Criteria: Natera Variant Classification Schema (03/2026). Collection method: clinical testing. Allele origin: germline.
Comment: The c.273C>G variant in BBS10 is a missense variant predicted to cause substitution of cysteine to tryptophan at amino acid 91. This variant is rare in the general population with a frequency below the threshold expected for the associated phenotype(s). This variant has been observed in one or more individuals affected with the associated recessive disease, as either homozygous or compound heterozygous with a second variant (PMID: 27032803, 33964006, 34122504, 33302505, 37293956). Computational prediction algorithms indicate this variant is likely to affect gene or protein function. Given the available evidence, this variant is classified as Pathogenic.

Labcorp Genetics (formerly Invitae), Labcorp
Classification: Pathogenic for Bardet-Biedl syndrome. Last evaluated: 2025-06-29. Review status: criteria provided, single submitter. Criteria: Invitae Variant Classification Sherloc (09022015). Collection method: clinical testing. Allele origin: germline.
Comment: This sequence change replaces cysteine, which is neutral and slightly polar, with tryptophan, which is neutral and slightly polar, at codon 91 of the BBS10 protein (p.Cys91Trp). This variant is present in population databases (rs148374859, gnomAD 0.006%). This missense change has been observed in individual(s) with Bardet-Biedl syndrome (PMID: 16582908, 17980398, 19190184, 20472660, 20805367). In at least one individual the data is consistent with being in trans (on the opposite chromosome) from a pathogenic variant. ClinVar contains an entry for this variant (Variation ID: 30818). Invitae Evidence Modeling of protein sequence and biophysical properties (such as structural, functional, and spatial information, amino acid conservation, physicochemical variation, residue mobility, and thermodynamic stability) has been performed for this missense variant. However, the output from this modeling did not meet the statistical confidence thresholds required to predict the impact of this variant on BBS10 protein function. Experimental studies have shown that this missense change affects BBS10 function (PMID: 20498079). For these reasons, this variant has been classified as Pathogenic.

Dasa
Classification: Pathogenic. Last evaluated: 2024-12-10. Review status: criteria provided, single submitter. Criteria: DASA Assertion Criteria. Collection method: clinical testing. Allele origin: germline.
Comment: NM_024685.4(BBS10):c.273C>G (p.Cys91Trp) is a missense variant that results in the substitution of cysteine with tryptophan. This variant has been observed in affected individuals with related phenotype in a genotype context consistent with recessive disease (PMID: 19190184; PMID: 20805367; PMID: 17980398; PMID: 20472660). Functional evidence supports a deleterious effect on the gene or gene product (PMID: 19190184; PMID: 20805367; PMID: 17980398; PMID: 20472660). This variant has been recurrently observed in individuals with related phenotype (PMID: 19190184; PMID: 20805367; PMID: 17980398; PMID: 20472660). Multiple computational predictions support a deleterious effect on the gene or gene product. The variant is present at low frequency in population datasets. Based on the available data, this variant is classified as pathogenic.

Fulgent Genetics
Classification: Pathogenic for Bardet-Biedl syndrome 10. Last evaluated: 2024-04-10. Review status: criteria provided, single submitter. Criteria: ACMG Guidelines, 2015. Collection method: clinical testing. Allele origin: germline.

Institute of Human Genetics Munich, TUM University Hospital
Classification: Pathogenic for Bardet-Biedl syndrome 10. Last evaluated: 2024-04-02. Review status: criteria provided, single submitter. Criteria: Classification criteria August 2017. Collection method: clinical testing. Allele origin: germline. Inheritance: Autosomal recessive inheritance. Affected: yes. Observed: 1 variant allele.

Blueprint Genetics
Classification: Pathogenic for BBS10-related disorders. Last evaluated: 2023-06-22. Review status: criteria provided, single submitter. Criteria: ACMG Guidelines, 2015. Collection method: clinical testing. Allele origin: germline. Affected: yes. Observed: 5 variant alleles.

CeGaT Center for Human Genetics Tuebingen
Classification: Pathogenic. Last evaluated: 2023-01-01. Review status: criteria provided, single submitter. Criteria: CeGaT Center For Human Genetics Tuebingen Variant Classification Criteria Version 2. Collection method: clinical testing. Allele origin: germline. Affected: yes. Observed: 4 variant alleles.
Comment: BBS10: PM3:Strong, PP1:Strong, PM2

Institute of Human Genetics, Univ. Regensburg, Univ. Regensburg
Classification: Pathogenic for Retinal dystrophy. Last evaluated: 2022-01-01. Review status: criteria provided, single submitter. Criteria: ACMG Guidelines, 2015. Collection method: clinical testing. Allele origin: germline. Affected: yes.

Revvity Omics, Revvity
Classification: Pathogenic for Bardet-Biedl syndrome 10. Last evaluated: 2021-05-04. Review status: criteria provided, single submitter. Criteria: ACMG Guidelines, 2015. Collection method: clinical testing. Allele origin: germline.

Eurofins Ntd Llc (ga)
Classification: Pathogenic. Last evaluated: 2018-03-30. Review status: criteria provided, single submitter. Criteria: EGL ClinVar v180209 classification definitions. Collection method: clinical testing. Allele origin: germline. Observed: 1 variant allele, 1 heterozygote.

Advanced Center For Translational And Genetic Medicine, Ann & Robert H. Lurie Children's Hospital Of Chicago
Classification: Likely pathogenic for Bardet-Biedl syndrome 1. Last evaluated: 2023-05-10. Review status: no assertion criteria provided. Collection method: research. Allele origin: biparental. Affected: yes. Observed: 1 homozygote. Not counted in ClinVar's aggregate classification.

Laboratory of Medical Genetics (UMR_S 1112), INSERM/Strasbourg University
Classification: Pathogenic for Bardet-Biedl syndrome. Last evaluated: 2018-09-15. Review status: no assertion criteria provided. Collection method: provider interpretation. Allele origin: germline. Affected: yes. Study: French fetal BBS cohort. Not counted in ClinVar's aggregate classification.

OMIM
Classification: Pathogenic for BARDET-BIEDL SYNDROME 10. Last evaluated: 2010-12-01. Review status: no assertion criteria provided. Collection method: literature only. Allele origin: germline. Not counted in ClinVar's aggregate classification.

Literature cited by the submitters: PubMed 27032803 (cited by 3 submitters); PubMed 33964006 (cited by Natera, Inc. and Institute of Human Genetics, Univ. Regensburg, Univ. Regensburg); PubMed 34122504 (cited by Natera, Inc.); PubMed 33302505 (cited by Natera, Inc. and Institute of Human Genetics, Univ. Regensburg, Univ. Regensburg); PubMed 37293956 (cited by Natera, Inc.); PubMed 16582908 (cited by 3 submitters); PubMed 17980398 (cited by Labcorp Genetics (formerly Invitae), Labcorp and Dasa); PubMed 19190184 (cited by Labcorp Genetics (formerly Invitae), Labcorp and Dasa); PubMed 20472660 (cited by Labcorp Genetics (formerly Invitae), Labcorp and Dasa); PubMed 20805367 (cited by 3 submitters); PubMed 20498079 (cited by 3 submitters); PubMed 31964843 (cited by Institute of Human Genetics, Univ. Regensburg, Univ. Regensburg); PubMed 32359821 (cited by Institute of Human Genetics, Univ. Regensburg, Univ. Regensburg); PubMed 34940782 (cited by Institute of Human Genetics, Univ. Regensburg, Univ. Regensburg); PubMed 36460718 (cited by Institute of Human Genetics, Univ. Regensburg, Univ. Regensburg); PubMed 35886001 (cited by Institute of Human Genetics, Univ. Regensburg, Univ. Regensburg); PubMed 35835773 (cited by Institute of Human Genetics, Univ. Regensburg, Univ. Regensburg); PubMed 30614526 (cited by Laboratory of Medical Genetics (UMR_S 1112), INSERM/Strasbourg University).